The following is an entry in ClinVar:

ClinVar aggregate classification (germline): Uncertain significance. Review status: criteria provided, multiple submitters, no conflicts (2 of 4 stars). 3 submissions from 3 submitters: Uncertain significance (3). Last evaluated 2025-04-02.

Conditions:
Inborn genetic diseases. Identifiers: MedGen C0950123, MeSH D030342.

Allele frequency attached by ClinVar (database versions not stated): gnomAD exomes below 0.00001.
gnomAD v4.1: 1 of 1,613,680 alleles (0.000062%); highest among the groups gnomAD compares: Non-Finnish European, 0.000085%; no homozygotes.

Submissions (3):

Ambry Genetics
Classification: Uncertain significance for Inborn genetic diseases. Last evaluated: 2025-04-02. Review status: criteria provided, single submitter. Criteria: Ambry Variant Classification Scheme 2023. Collection method: clinical testing. Allele origin: germline.

GeneDx
Classification: Uncertain significance. Last evaluated: 2024-11-06. Review status: criteria provided, single submitter. Criteria: GeneDx Variant Classification Process June 2021. Collection method: clinical testing. Allele origin: germline. Affected: yes.
Comment: Not observed at significant frequency in large population cohorts (gnomAD); In silico analysis indicates that this missense variant does not alter protein structure/function; Has not been previously published as pathogenic or benign to our knowledge

Labcorp Genetics (formerly Invitae), Labcorp
Classification: Uncertain significance. Last evaluated: 2022-11-23. Review status: criteria provided, single submitter. Criteria: Invitae Variant Classification Sherloc (09022015). Collection method: clinical testing. Allele origin: germline.
Comment: This sequence change replaces valine, which is neutral and non-polar, with methionine, which is neutral and non-polar, at codon 1566 of the FN1 protein (p.Val1566Met). This variant is not present in population databases (gnomAD no frequency). In summary, the available evidence is currently insufficient to determine the role of this variant in disease. Therefore, it has been classified as a Variant of Uncertain Significance. Algorithms developed to predict the effect of missense changes on protein structure and function are either unavailable or do not agree on the potential impact of this missense change (SIFT: "Not Available"; PolyPhen-2: "Probably Damaging"; Align-GVGD: "Not Available"). This variant has not been reported in the literature in individuals affected with FN1-related conditions.

NM_212482.4(FN1):c.4696G>A (p.Val1566Met)

Gene: FN1 (fibronectin 1; minus strand). Cytogenetic location: 2q35.
Variant type: single nucleotide variant.
Coding change: c.4696G>A on transcript NM_212482.4 (MANE Select); coding-DNA position 4696, G replaced by A.
Protein change: p.Val1566Met; replaces valine 1566 with methionine.
Molecular consequence: missense variant.
Genome position (GRCh38, 1-based): chr2:215,384,893, C>T on the plus strand (G>A on the coding strand, the complement: FN1 is on the minus strand). VCF-style: chr2-215384893-C-T. GRCh37 (hg19) VCF-style: chr2-216249616-C-T.
Other names: c.4423G>A, p.Val1475Met (NM_001365520.2, NM_001365523.2, NM_001365524.2 and 7 more transcripts); c.4696G>A, p.Val1566Met (NM_001365521.2, NM_001365522.2, NM_001306129.2 and 3 more transcripts); c.4696G>A (NM_212482.1); short protein forms V1475M, V1566M.
Identifiers: ClinVar variation 2803489 (VCV002803489.5), dbSNP rs748171758, ClinGen allele CA2094359.